The following is an entry in ClinVar:

NM_000038.6(APC):c.3049A>G (p.Asn1017Asp)

Gene: APC (APC regulator of Wnt signaling pathway; plus strand). Cytogenetic location: 5q22.2.
Variant type: single nucleotide variant.
Coding change: c.3049A>G on transcript NM_000038.6 (MANE Select); coding-DNA position 3049, A replaced by G.
Protein change: p.Asn1017Asp; replaces asparagine 1017 with aspartic acid.
Molecular consequence: missense variant.
Genome position (GRCh38, 1-based): chr5:112,838,643, A>G. VCF-style: chr5-112838643-A-G. GRCh37 (hg19) VCF-style: chr5-112174340-A-G.
Other names: c.3049A>G, p.Asn1017Asp (NM_001127510.3, NM_001354895.2); c.2995A>G, p.Asn999Asp (NM_001127511.3); c.3103A>G, p.Asn1035Asp (NM_001354896.2); c.3079A>G, p.Asn1027Asp (NM_001354897.2); c.2974A>G, p.Asn992Asp (NM_001354898.2); c.2965A>G, p.Asn989Asp (NM_001354899.2); c.2926A>G, p.Asn976Asp (NM_001354900.2); c.2872A>G, p.Asn958Asp (NM_001354901.2); and 5 more; short protein forms N734D, N857D, N916D, N958D, N989D, N1017D, N1027D, N1035D.
Identifiers: ClinVar variation 843820 (VCV000843820.14), dbSNP rs1765324095, ClinGen allele CA16028009.

ClinVar aggregate classification (germline): Uncertain significance. Review status: criteria provided, multiple submitters, no conflicts (2 of 4 stars). 3 submissions from 3 submitters: Uncertain significance (3). Last evaluated 2024-01-27.

Conditions:
Hereditary cancer-predisposing syndrome. Also called: Hereditary Cancer Syndrome; Hereditary neoplastic syndrome; Tumor predisposition; Neoplastic Syndromes, Hereditary. Identifiers: Orphanet 140162, MedGen C0027672, MeSH D009386, MONDO:0015356.
Familial adenomatous polyposis 1 (FAP1). Also called: FAMILIAL ADENOMATOUS POLYPOSIS 1, ATTENUATED; POLYPOSIS, ADENOMATOUS INTESTINAL. Identifiers: MedGen C2713442, MONDO:0021056, OMIM 175100. Disease mechanism: loss of function.

Submissions (3):

Baylor Genetics
Classification: Uncertain significance for Familial adenomatous polyposis 1. Last evaluated: 2024-01-27. Review status: criteria provided, single submitter. Criteria: ACMG Guidelines, 2015. Collection method: clinical testing. Allele origin: unknown.

Ambry Genetics
Classification: Uncertain significance for Hereditary cancer-predisposing syndrome. Last evaluated: 2020-01-21. Review status: criteria provided, single submitter. Criteria: Ambry Variant Classification Scheme 2023. Collection method: clinical testing. Allele origin: germline.
Comment: The p.N1017D variant (also known as c.3049A>G), located in coding exon 15 of the APC gene, results from an A to G substitution at nucleotide position 3049. The asparagine at codon 1017 is replaced by aspartic acid, an amino acid with highly similar properties. This amino acid position is well conserved in available vertebrate species. In addition, in silico predictors for this gene do not accurately predict pathogenicity. Since supporting evidence is limited at this time, the clinical significance of this alteration remains unclear.

Labcorp Genetics (formerly Invitae), Labcorp
Classification: Uncertain significance for Familial adenomatous polyposis 1. Last evaluated: 2019-02-09. Review status: criteria provided, single submitter. Criteria: Invitae Variant Classification Sherloc (09022015). Collection method: clinical testing. Allele origin: germline.
Comment: In summary, the available evidence is currently insufficient to determine the role of this variant in disease. Therefore, it has been classified as a Variant of Uncertain Significance. Algorithms developed to predict the effect of missense changes on protein structure and function (SIFT, PolyPhen-2, Align-GVGD) all suggest that this variant is likely to be tolerated, but these predictions have not been confirmed by published functional studies and their clinical significance is uncertain. This variant has not been reported in the literature in individuals with APC-related conditions. This variant is not present in population databases (ExAC no frequency). This sequence change replaces asparagine with aspartic acid at codon 1017 of the APC protein (p.Asn1017Asp). The asparagine residue is highly conserved and there is a small physicochemical difference between asparagine and aspartic acid.